The following is an entry in ClinVar:

NM_001384732.1(CPLANE1):c.7593G>A (p.Met2531Ile)

Gene: CPLANE1 (ciliogenesis and planar polarity effector complex subunit 1; minus strand). Cytogenetic location: 5p13.2.
Variant type: single nucleotide variant.
Coding change: c.7593G>A on transcript NM_001384732.1 (MANE Select); coding-DNA position 7593, G replaced by A.
Protein change: p.Met2531Ile; replaces methionine 2531 with isoleucine.
Molecular consequence: missense variant.
Genome position (GRCh38, 1-based): chr5:37,162,562, C>T on the plus strand (G>A on the coding strand, the complement: CPLANE1 is on the minus strand). VCF-style: chr5-37162562-C-T. GRCh37 (hg19) VCF-style: chr5-37162664-C-T.
Other names: c.7593G>A, p.Met2531Ile (NM_023073.4); short protein forms M2531I.
Identifiers: ClinVar variation 1423177 (VCV001423177.6), dbSNP rs764251745, ClinGen allele CA3237997.

ClinVar aggregate classification (germline): Uncertain significance (1 of 4 stars; one submission).

Allele frequency attached by ClinVar (database versions not stated): gnomAD 0.00001; gnomAD exomes 0.00001 and 0.00002; TOPMed 0.00001; ExAC 0.00002.
gnomAD v4.1: 17 of 1,603,132 alleles (0.0011%); highest among the groups gnomAD compares: Admixed American, 0.0067%; no homozygotes.

Submission:

Labcorp Genetics (formerly Invitae), Labcorp
Classification: Uncertain significance. Last evaluated: 2022-07-14. Review status: criteria provided, single submitter. Criteria: Invitae Variant Classification Sherloc (09022015). Collection method: clinical testing. Allele origin: germline.
Comment: This sequence change replaces methionine, which is neutral and non-polar, with isoleucine, which is neutral and non-polar, at codon 2531 of the CPLANE1 protein (p.Met2531Ile). This variant is present in population databases (rs764251745, gnomAD 0.009%). This variant has not been reported in the literature in individuals affected with CPLANE1-related conditions. ClinVar contains an entry for this variant (Variation ID: 1423177). Advanced modeling of protein sequence and biophysical properties (such as structural, functional, and spatial information, amino acid conservation, physicochemical variation, residue mobility, and thermodynamic stability) performed at Invitae indicates that this missense variant is not expected to disrupt CPLANE1 protein function. In summary, the available evidence is currently insufficient to determine the role of this variant in disease. Therefore, it has been classified as a Variant of Uncertain Significance.